The following is an entry in ClinVar:

NM_020751.3(COG6):c.-43C>T

Gene: COG6 (component of oligomeric golgi complex 6; plus strand). Cytogenetic location: 13q14.11.
Variant type: single nucleotide variant.
Coding change: c.-43C>T on transcript NM_020751.3 (MANE Select); 43 bases upstream of the start codon, C replaced by T.
Molecular consequence: 5 prime UTR variant. On other transcripts: non-coding transcript variant (1).
Genome position (GRCh38, 1-based): chr13:39,655,684, C>T. VCF-style: chr13-39655684-C-T. GRCh37 (hg19) VCF-style: chr13-40229821-C-T.
Other names: c.-43C>T (NM_001145079.2).
Identifiers: ClinVar variation 669176 (VCV000669176.1), dbSNP rs374821573, ClinGen allele CA6958111.

ClinVar aggregate classification (germline): Likely benign (1 of 4 stars; one submission).

Allele frequency attached by ClinVar (database versions not stated): ExAC 0.00012; TOPMed 0.00003 and 0.00006; ESP Exome Variant Server 0.00016.
gnomAD v4.1: 51 of 1,555,048 alleles (0.0033%); highest among the groups gnomAD compares: Middle Eastern, 0.12%; 1 homozygote.

Submission:

GeneDx
Classification: Likely benign. Last evaluated: 2018-06-18. Review status: criteria provided, single submitter. Criteria: GeneDx Variant Classification (06012015). Collection method: clinical testing. Allele origin: germline. Affected: yes.
Comment: This variant is considered likely benign or benign based on one or more of the following criteria: it is a conservative change, it occurs at a poorly conserved position in the protein, it is predicted to be benign by multiple in silico algorithms, and/or has population frequency not consistent with disease.